The following is an entry in ClinVar:

ClinVar aggregate classification (germline): Uncertain significance. Review status: criteria provided, multiple submitters, no conflicts (2 of 4 stars). 2 submissions from 2 submitters: Uncertain significance (2). Last evaluated 2023-11-17.

Conditions:
Inborn genetic diseases. Identifiers: MedGen C0950123, MeSH D030342.

Allele frequency attached by ClinVar (database versions not stated): gnomAD 0.00001; gnomAD exomes 0.00001 and 0.00004; TOPMed 0.00002; ExAC 0.00004.
gnomAD v4.1: 9 of 1,613,018 alleles (0.00056%); highest among the groups gnomAD compares: East Asian, 0.02%; no homozygotes.

Submissions (2):

Ambry Genetics
Classification: Uncertain significance for Inborn genetic diseases. Last evaluated: 2023-11-17. Review status: criteria provided, single submitter. Criteria: Ambry Variant Classification Scheme 2023. Collection method: clinical testing. Allele origin: germline.

GeneDx
Classification: Uncertain significance. Last evaluated: 2019-08-16. Review status: criteria provided, single submitter. Criteria: GeneDx Variant Classification Process June 2021. Collection method: clinical testing. Allele origin: germline. Affected: yes.
Comment: In silico analysis, which includes protein predictors and evolutionary conservation, supports that this variant does not alter protein structure/function; Has not been previously published as pathogenic or benign to our knowledge

NM_178161.3(PTF1A):c.808G>C (p.Asp270His)

Gene: PTF1A (pancreas associated transcription factor 1a; plus strand). Cytogenetic location: 10p12.2.
Variant type: single nucleotide variant.
Coding change: c.808G>C on transcript NM_178161.3 (MANE Select); coding-DNA position 808, G replaced by C.
Protein change: p.Asp270His; replaces aspartic acid 270 with histidine.
Molecular consequence: missense variant.
Genome position (GRCh38, 1-based): chr10:23,193,727, G>C. VCF-style: chr10-23193727-G-C. GRCh37 (hg19) VCF-style: chr10-23482656-G-C.
Other names: short protein forms D270H.
Identifiers: ClinVar variation 1307620 (VCV001307620.3), dbSNP rs776882560, ClinGen allele CA5438638.
Genomic context (GRCh38, chr10:23,193,727, plus strand): 5'-GATATTCACAGTCTGTTTTCTCTTCTCACCTGTCCAGGGTCCCCCTCCCCCAGCGACCCT[G>C]ATTATGGCCTCCCTCCCCTAGCAGGACACTCTCTCTCATGGACTGATGAAAAACAACTCA-3'
Protein context (NP_835455.1, residues 260-280): GTRSPSPSDP[Asp270His]YGLPPLAGHS